The following is an entry in ClinVar:

ClinVar aggregate classification (germline): Uncertain significance (1 of 4 stars; one submission).

Conditions:
LAMA2-related muscular dystrophy (LAMA2-RD). Also called: Laminin alpha 2-related dystrophy. Identifiers: MedGen C5679788, MONDO:0100228.

Allele frequency attached by ClinVar (database versions not stated): gnomAD exomes below 0.00001.
gnomAD v4.1: 2 of 1,613,268 alleles (0.00012%); highest among the groups gnomAD compares: Non-Finnish European, 0.00017%; no homozygotes.

Submission:

Labcorp Genetics (formerly Invitae), Labcorp
Classification: Uncertain significance for LAMA2-related muscular dystrophy. Last evaluated: 2023-12-19. Review status: criteria provided, single submitter. Criteria: Invitae Variant Classification Sherloc (09022015). Collection method: clinical testing. Allele origin: germline.
Comment: This sequence change replaces isoleucine, which is neutral and non-polar, with phenylalanine, which is neutral and non-polar, at codon 1037 of the LAMA2 protein (p.Ile1037Phe). This variant is not present in population databases (gnomAD no frequency). This variant has not been reported in the literature in individuals affected with LAMA2-related conditions. ClinVar contains an entry for this variant (Variation ID: 946115). Advanced modeling of protein sequence and biophysical properties (such as structural, functional, and spatial information, amino acid conservation, physicochemical variation, residue mobility, and thermodynamic stability) performed at Invitae indicates that this missense variant is not expected to disrupt LAMA2 protein function with a negative predictive value of 95%. In summary, the available evidence is currently insufficient to determine the role of this variant in disease. Therefore, it has been classified as a Variant of Uncertain Significance.

NM_000426.4(LAMA2):c.3109A>T (p.Ile1037Phe)

Gene: LAMA2 (laminin subunit alpha 2; plus strand). Cytogenetic location: 6q22.33.
Variant type: single nucleotide variant.
Coding change: c.3109A>T on transcript NM_000426.4 (MANE Select); coding-DNA position 3109, A replaced by T.
Protein change: p.Ile1037Phe; replaces isoleucine 1037 with phenylalanine.
Molecular consequence: missense variant.
Genome position (GRCh38, 1-based): chr6:129,300,807, A>T. VCF-style: chr6-129300807-A-T. GRCh37 (hg19) VCF-style: chr6-129621952-A-T.
Other names: c.3109A>T, p.Ile1037Phe (NM_001079823.2); short protein forms I1037F.
Identifiers: ClinVar variation 946115 (VCV000946115.7), dbSNP rs1583447620, ClinGen allele CA365611464.